The following is an entry in ClinVar:

NM_198282.4(STING1):c.95C>T (p.Thr32Ile)

Gene: STING1 (stimulator of interferon response cGAMP interactor 1; minus strand). Cytogenetic location: 5q31.2.
Variant type: single nucleotide variant.
Coding change: c.95C>T on transcript NM_198282.4 (MANE Select); coding-DNA position 95, C replaced by T.
Protein change: p.Thr32Ile; replaces threonine 32 with isoleucine.
Molecular consequence: missense variant. On other transcripts: intron variant (1).
Genome position (GRCh38, 1-based): chr5:139,481,610, G>A on the plus strand (C>T on the coding strand, the complement: STING1 is on the minus strand). VCF-style: chr5-139481610-G-A. GRCh37 (hg19) VCF-style: chr5-138861195-G-A.
Other names: c.95C>T, p.Thr32Ile (NM_001301738.2); c.-130-268C>T (NM_001367258.1); short protein forms T32I.
Identifiers: ClinVar variation 2163379 (VCV002163379.4), dbSNP rs781125980, ClinGen allele CA3435502.

ClinVar aggregate classification (germline): Uncertain significance (1 of 4 stars; one submission).

Conditions:
STING-associated vasculopathy with onset in infancy. Also called: Sting-associated vasculopathy, infantile-onset. Identifiers: Orphanet 425120, MedGen C4014722, MONDO:0014405, OMIM 615934.

Allele frequency attached by ClinVar (database versions not stated): ExAC 0.00001; gnomAD 0.00001; TOPMed below 0.00001.

Submission:

Labcorp Genetics (formerly Invitae), Labcorp
Classification: Uncertain significance for STING-associated vasculopathy with onset in infancy. Last evaluated: 2022-04-24. Review status: criteria provided, single submitter. Criteria: Invitae Variant Classification Sherloc (09022015). Collection method: clinical testing. Allele origin: germline.
Comment: In summary, the available evidence is currently insufficient to determine the role of this variant in disease. Therefore, it has been classified as a Variant of Uncertain Significance. Algorithms developed to predict the effect of missense changes on protein structure and function output the following: SIFT: "Tolerated"; PolyPhen-2: "Benign"; Align-GVGD: "Class C0". The isoleucine amino acid residue is found in multiple mammalian species, which suggests that this missense change does not adversely affect protein function. This variant has not been reported in the literature in individuals affected with TMEM173-related conditions. This variant is present in population databases (rs781125980, gnomAD 0.003%). This sequence change replaces threonine, which is neutral and polar, with isoleucine, which is neutral and non-polar, at codon 32 of the TMEM173 protein (p.Thr32Ile).